The following is an entry in ClinVar:

NM_013275.6(ANKRD11):c.6983del (p.Arg2328fs)

Gene: ANKRD11 (ankyrin repeat domain 11; minus strand). Cytogenetic location: 16q24.3.
Variant type: Deletion.
Coding change: c.6983del on transcript NM_013275.6 (MANE Select); coding-DNA position 6983, one base deleted (G; older notation c.6983delG).
Protein change: p.Arg2328fs; shifts the reading frame from arginine 2328.
Molecular consequence: frameshift variant.
Genome position (GRCh38, 1-based): chr16:89,279,559, C deleted on the plus strand (G on the coding strand, the reverse complement: ANKRD11 is on the minus strand). VCF-style (leftmost placement, unchanged base first): chr16-89279558-TC-T. GRCh37 (hg19) VCF-style: chr16-89345966-TC-T.
Other names: c.6983del, p.Arg2328fs (NM_001256182.2, NM_001256183.2); short protein forms R2328fs.
Identifiers: ClinVar variation 3234018 (VCV003234018.1), dbSNP rs2544219769, ClinGen allele CA2825002463.

ClinVar aggregate classification (germline): Likely pathogenic (1 of 4 stars; one submission).

Conditions:
KBG syndrome (KBGS). Also called: ANKRD11-Related KBG Syndrome. Identifiers: Orphanet 2332, MedGen C0220687, MONDO:0007846, OMIM 148050.

Submission:

MVZ Medizinische Genetik Mainz
Classification: Likely pathogenic for KBG syndrome. Last evaluated: 2023-05-30. Review status: criteria provided, single submitter. Criteria: UK Practice Guidelines For Variant Classification V4 01 2020. Collection method: clinical testing. Allele origin: germline. Inheritance: Autosomal dominant inheritance. Affected: yes. Observed: 1 variant allele.
Comment: ACMG Criteria: PVS1,PM2_SUP